The following is an entry in ClinVar:

ClinVar aggregate classification (germline): Pathogenic. Review status: criteria provided, multiple submitters, no conflicts (2 of 4 stars). 3 submissions from 3 submitters: Pathogenic (2). 1 of the submissions does not count toward it. Last evaluated 2020-06-11.

Conditions:
Familial thoracic aortic aneurysm and aortic dissection (TAAD). Also called: Thoracic aortic aneurysms and dissections. Identifiers: Orphanet 91387, MedGen C4707243, MONDO:0019625.
Aneurysm-osteoarthritis syndrome. Also called: SMAD3-Related Loeys-Dietz Syndrome; ANEURYSMS-OSTEOARTHRITIS SYNDROME; Loeys-Dietz syndrome, type 1C; LOEYS-DIETZ SYNDROME WITH OSTEOARTHRITIS. Identifiers: Orphanet 284984, MedGen C3151087, MONDO:0013426, OMIM 613795.

Submissions (3):

Ambry Genetics
Classification: Pathogenic for Familial thoracic aortic aneurysm and aortic dissection. Last evaluated: 2020-06-11. Review status: criteria provided, single submitter. Criteria: Ambry Variant Classification Scheme 2023. Collection method: clinical testing. Allele origin: germline.
Comment: The c.653delA pathogenic mutation, located in coding exon 5 of the SMAD3 gene, results from a deletion of one nucleotide at nucleotide position 653, causing a translational frameshift with a predicted alternate stop codon (p.N218Tfs*23). This mutation segregated with vascular disease in a large family with thoracic aortic aneurysm and dissection (TAAD), intracranial aneurysms (ICA), abdominal aortic aneurysms (AAA), and bilateral iliac aneurysms (Regalado ES et al. Circ. Res., 2011 Sep;109:680-6; Hostetler EM et al. J. Med. Genet., 2019 04;56:252-260). In addition to the clinical data presented in the literature, this alteration is expected to result in loss of function by premature protein truncation or nonsense-mediated mRNA decay. As such, this alteration is interpreted as a disease-causing mutation.

Labcorp Genetics (formerly Invitae), Labcorp
Classification: Pathogenic for Familial thoracic aortic aneurysm and aortic dissection. Last evaluated: 2018-12-31. Review status: criteria provided, single submitter. Criteria: Invitae Variant Classification Sherloc (09022015). Collection method: clinical testing. Allele origin: germline.
Comment: This sequence change creates a premature translational stop signal (p.Asn218Thrfs*23) in the SMAD3 gene. It is expected to result in an absent or disrupted protein product. For these reasons, this variant has been classified as Pathogenic. Loss-of-function variants in SMAD3 are known to be pathogenic (PMID: 21778426, 24804794). This variant has been observed to segregate with thoracic aortic aneurysm and dissection in a family (PMID: 21778426). ClinVar contains an entry for this variant (Variation ID: 30309). This variant is not present in population databases (ExAC no frequency).

OMIM
Classification: Pathogenic for LOEYS-DIETZ SYNDROME 3. Last evaluated: 2011-09-02. Review status: no assertion criteria provided. Collection method: literature only. Allele origin: germline. Not counted in ClinVar's aggregate classification.

Literature cited by the submitters: PubMed 21778426 (cited by 3 submitters); PubMed 30661052 (cited by Ambry Genetics); PubMed 24804794 (cited by Labcorp Genetics (formerly Invitae), Labcorp); PubMed 21815248 (cited by OMIM).

NM_005902.4(SMAD3):c.653del (p.Asn218fs)

Gene: SMAD3 (SMAD family member 3; plus strand). Cytogenetic location: 15q22.33.
Variant type: Deletion.
Coding change: c.653del on transcript NM_005902.4 (MANE Select); coding-DNA position 653, one base deleted (A; older notation c.653delA).
Protein change: p.Asn218fs; shifts the reading frame from asparagine 218.
Molecular consequence: frameshift variant.
Genome position (GRCh38, 1-based): chr15:67,170,599, A deleted; the last of 2 consecutive A bases (chr15:67,170,598-67,170,599); deleting either gives the same sequence. VCF-style (leftmost placement, unchanged base first): chr15-67170597-TA-T. GRCh37 (hg19) VCF-style: chr15-67462935-TA-T.
Other names: c.653delA (NM_005902.3); c.338del, p.Asn113fs (NM_001145102.2); c.521del, p.Asn174fs (NM_001145103.2); c.68del, p.Asn23fs (NM_001145104.2); short protein forms N218fs, N23fs, N113fs, N174fs.
Identifiers: ClinVar variation 30309 (VCV000030309.11), dbSNP rs587776881, ClinGen allele CA020097.